The following is an entry in ClinVar:

NM_005883.3(APC2):c.1339G>T (p.Asp447Tyr)

Gene: APC2 (APC regulator of WNT signaling pathway 2; plus strand). Cytogenetic location: 19p13.3.
Variant type: single nucleotide variant.
Coding change: c.1339G>T on transcript NM_005883.3 (MANE Select); coding-DNA position 1339, G replaced by T.
Protein change: p.Asp447Tyr; replaces aspartic acid 447 with tyrosine.
Molecular consequence: missense variant.
Genome position (GRCh38, 1-based): chr19:1,460,216, G>T. VCF-style: chr19-1460216-G-T. GRCh37 (hg19) VCF-style: chr19-1460215-G-T.
Other names: c.1336G>T, p.Asp446Tyr (NM_001351273.1); short protein forms D446Y, D447Y.
Identifiers: ClinVar variation 2501864 (VCV002501864.1), dbSNP rs2512490943, ClinGen allele CA403018638.

ClinVar aggregate classification (germline): Uncertain significance (1 of 4 stars; one submission).

Submission:

GeneDx
Classification: Uncertain significance. Last evaluated: 2022-11-11. Review status: criteria provided, single submitter. Criteria: GeneDx Variant Classification Process June 2021. Collection method: clinical testing. Allele origin: germline. Affected: yes.
Comment: Not observed at significant frequency in large population cohorts (gnomAD); In silico analysis supports that this missense variant has a deleterious effect on protein structure/function; Has not been previously published as pathogenic or benign to our knowledge